The following is an entry in ClinVar:

ClinVar aggregate classification (germline): Uncertain significance (1 of 4 stars; one submission).

Conditions:
Early-infantile DEE. Also called: Ohtahara syndrome; Early infantile epileptic encephalopathy with suppression bursts; Early infantile epileptic encephalopathy. Identifiers: Orphanet 1934, MedGen C0393706, MONDO:0800491.

Allele frequency attached by ClinVar (database versions not stated): TOPMed below 0.00001; gnomAD 0.00001; gnomAD exomes 0.00001.
gnomAD v4.1: 6 of 1,613,958 alleles (0.00037%); highest among the groups gnomAD compares: Non-Finnish European, 0.00051%; no homozygotes.

Submission:

Labcorp Genetics (formerly Invitae), Labcorp
Classification: Uncertain significance for Early-infantile DEE. Last evaluated: 2019-01-26. Review status: criteria provided, single submitter. Criteria: Invitae Variant Classification Sherloc (09022015). Collection method: clinical testing. Allele origin: germline.
Comment: This sequence change replaces histidine with arginine at codon 1263 of the SPTAN1 protein (p.His1263Arg). The histidine residue is highly conserved and there is a small physicochemical difference between histidine and arginine. This variant is not present in population databases (ExAC no frequency). This variant has not been reported in the literature in individuals with SPTAN1-related conditions. Algorithms developed to predict the effect of missense changes on protein structure and function (SIFT, PolyPhen-2, Align-GVGD) all suggest that this variant is likely to be tolerated, but these predictions have not been confirmed by published functional studies and their clinical significance is uncertain. In summary, the available evidence is currently insufficient to determine the role of this variant in disease. Therefore, it has been classified as a Variant of Uncertain Significance.

NM_001130438.3(SPTAN1):c.3788A>G (p.His1263Arg)

Gene: SPTAN1 (spectrin alpha, non-erythrocytic 1; plus strand). Cytogenetic location: 9q34.11.
Variant type: single nucleotide variant.
Coding change: c.3788A>G on transcript NM_001130438.3 (MANE Select); coding-DNA position 3788, A replaced by G.
Protein change: p.His1263Arg; replaces histidine 1263 with arginine.
Molecular consequence: missense variant.
Genome position (GRCh38, 1-based): chr9:128,605,102, A>G. VCF-style: chr9-128605102-A-G. GRCh37 (hg19) VCF-style: chr9-131367381-A-G.
Other names: c.3728A>G, p.His1243Arg (NM_001195532.2, NM_001363765.2, NM_001375314.2); c.3788A>G, p.His1263Arg (NM_001363759.2, NM_001375310.1, NM_001375311.2 and 2 more transcripts); c.3824A>G, p.His1275Arg (NM_001375312.2, NM_001375318.1); short protein forms H1243R, H1263R, H1275R.
Identifiers: ClinVar variation 845060 (VCV000845060.10), dbSNP rs1322144803, ClinGen allele CA375064556.